The following is an entry in ClinVar:

ClinVar aggregate classification (germline): Benign. Review status: criteria provided, multiple submitters, no conflicts (2 of 4 stars). 3 submissions from 3 submitters: Benign (2). 1 of the submissions does not count toward it. Last evaluated 2026-06-01.

Conditions:
CPAMD8-related disorder. Also called: CPAMD8-related condition.

Allele frequency attached by ClinVar (database versions not stated): 1000 Genomes Project 30x 0.00437; 1000 Genomes Project 0.00479; TOPMed 0.00923; gnomAD 0.00944; ESP Exome Variant Server 0.01105; ExAC 0.01129; gnomAD exomes 0.01334.
gnomAD v4.1: 20,900 of 1,613,144 alleles (1.3%); highest among the groups gnomAD compares: Middle Eastern, 2.4%; 164 homozygotes.

Submissions (3):

CeGaT Center for Human Genetics Tuebingen
Classification: Benign. Last evaluated: 2026-06-01. Review status: criteria provided, single submitter. Criteria: CeGaT Center For Human Genetics Tuebingen Variant Classification Criteria Version 2. Collection method: clinical testing. Allele origin: germline. Affected: yes. Observed: 1 variant allele.
Comment: CPAMD8: BP4, BS1, BS2

Labcorp Genetics (formerly Invitae), Labcorp
Classification: Benign. Last evaluated: 2026-01-09. Review status: criteria provided, single submitter. Criteria: Invitae Variant Classification Sherloc (09022015). Collection method: clinical testing. Allele origin: germline.

PreventionGenetics, part of Exact Sciences
Classification: Benign for CPAMD8-related condition. Last evaluated: 2019-03-05. Review status: no assertion criteria provided. Collection method: clinical testing. Allele origin: germline. Not counted in ClinVar's aggregate classification.
Comment: This variant is classified as benign based on ACMG/AMP sequence variant interpretation guidelines (Richards et al. 2015 PMID: 25741868, with internal and published modifications).

NM_015692.5(CPAMD8):c.1253A>G (p.His418Arg)

Gene: CPAMD8 (C3 and PZP like alpha-2-macroglobulin domain containing 8; minus strand). Cytogenetic location: 19p13.11.
Variant type: single nucleotide variant.
Coding change: c.1253A>G on transcript NM_015692.5 (MANE Select); coding-DNA position 1253, A replaced by G.
Protein change: p.His418Arg; replaces histidine 418 with arginine.
Molecular consequence: missense variant. On other transcripts: non-coding transcript variant (1).
Genome position (GRCh38, 1-based): chr19:16,993,429, T>C on the plus strand (A>G on the coding strand, the complement: CPAMD8 is on the minus strand). VCF-style: chr19-16993429-T-C. GRCh37 (hg19) VCF-style: chr19-17104239-T-C.
Other names: c.1394A>G (NM_015692.2); short protein forms H418R.
Identifiers: ClinVar variation 2037532 (VCV002037532.8), dbSNP rs151335087, ClinGen allele CA9285787.
Genomic context (GRCh38, chr19:16,993,429, plus strand): 5'-GTCCATACCTGCTGGCTGAATAACAAGGGTCCACGGGACTCACCCACCTCCAGCCACACG[T>C]GCTGGGCTGACGTGGGGATGGAGGGGATTTCAAACCCCACTAGTCCACGCTGGGACACAA-3'
Protein context (NP_056507.3, residues 408-428): EIPSIPTSAQ[His418Arg]VWLETKVMAL